The following is an entry in ClinVar:

NM_024529.5(CDC73):c.199G>A (p.Val67Met)

Gene: CDC73 (cell division cycle 73; plus strand). Cytogenetic location: 1q31.2.
Variant type: single nucleotide variant.
Coding change: c.199G>A on transcript NM_024529.5 (MANE Select); coding-DNA position 199, G replaced by A.
Protein change: p.Val67Met; replaces valine 67 with methionine.
Molecular consequence: missense variant.
Genome position (GRCh38, 1-based): chr1:193,125,179, G>A. VCF-style: chr1-193125179-G-A. GRCh37 (hg19) VCF-style: chr1-193094309-G-A.
Other names: short protein forms V67M.
Identifiers: ClinVar variation 963356 (VCV000963356.12), dbSNP rs748952219, ClinGen allele CA1303281.

ClinVar aggregate classification (germline): Uncertain significance. Review status: criteria provided, multiple submitters, no conflicts (2 of 4 stars). 2 submissions from 2 submitters: Uncertain significance (2). Last evaluated 2025-11-22.

Conditions:
Hereditary cancer-predisposing syndrome. Also called: Tumor predisposition; Hereditary neoplastic syndrome; Hereditary Cancer Syndrome; Neoplastic Syndromes, Hereditary. Identifiers: Orphanet 140162, MedGen C0027672, MeSH D009386, MONDO:0015356.
Parathyroid carcinoma (PRTC). Also called: Parathyroid gland carcinoma; CDC73-Related Parathyroid Carcinoma. Identifiers: Orphanet 143, MedGen C0687150, MONDO:0012004, OMIM 608266, HP:0006780.

Allele frequency attached by ClinVar (database versions not stated): gnomAD exomes below 0.00001; TOPMed below 0.00001; ExAC 0.00001; gnomAD 0.00001.
gnomAD v4.1: 2 of 1,608,736 alleles (0.00012%); highest among the groups gnomAD compares: African/African-American, 0.0013%; no homozygotes.

Submissions (2):

Labcorp Genetics (formerly Invitae), Labcorp
Classification: Uncertain significance for Parathyroid carcinoma. Last evaluated: 2025-11-22. Review status: criteria provided, single submitter. Criteria: Invitae Variant Classification Sherloc (09022015). Collection method: clinical testing. Allele origin: germline.
Comment: This sequence change replaces valine, which is neutral and non-polar, with methionine, which is neutral and non-polar, at codon 67 of the CDC73 protein (p.Val67Met). This variant is present in population databases (rs748952219, gnomAD 0.007%). This variant has not been reported in the literature in individuals affected with CDC73-related conditions. ClinVar contains an entry for this variant (Variation ID: 963356). Invitae Evidence Modeling of protein sequence and biophysical properties (such as structural, functional, and spatial information, amino acid conservation, physicochemical variation, residue mobility, and thermodynamic stability) has been performed for this missense variant. However, the output from this modeling did not meet the statistical confidence thresholds required to predict the impact of this variant on CDC73 protein function. In summary, the available evidence is currently insufficient to determine the role of this variant in disease. Therefore, it has been classified as a Variant of Uncertain Significance.

Ambry Genetics
Classification: Uncertain significance for Hereditary cancer-predisposing syndrome. Last evaluated: 2023-05-02. Review status: criteria provided, single submitter. Criteria: Ambry Variant Classification Scheme 2023. Collection method: clinical testing. Allele origin: germline.
Comment: The p.V67M variant (also known as c.199G>A), located in coding exon 2 of the CDC73 gene, results from a G to A substitution at nucleotide position 199. The valine at codon 67 is replaced by methionine, an amino acid with highly similar properties. This amino acid position is highly conserved in available vertebrate species. In addition, the in silico prediction for this alteration is inconclusive. Since supporting evidence is limited at this time, the clinical significance of this alteration remains unclear.